The following is an entry in ClinVar:

ClinVar aggregate classification (germline): Likely benign (1 of 4 stars; one submission).

gnomAD v4.1: 19 of 1,614,170 alleles (0.0012%); highest among the groups gnomAD compares: Non-Finnish European, 0.00076%; no homozygotes.

Submission:

CeGaT Center for Human Genetics Tuebingen
Classification: Likely benign. Last evaluated: 2022-05-01. Review status: criteria provided, single submitter. Criteria: CeGaT Center For Human Genetics Tuebingen Variant Classification Criteria Version 2. Collection method: clinical testing. Allele origin: germline. Affected: yes. Observed: 1 variant allele.
Comment: RP1L1: BP4, BP7

NM_178857.6(RP1L1):c.489C>T (p.Arg163=)

Gene: RP1L1 (RP1 like 1). Cytogenetic location: 8p23.1.
Variant type: single nucleotide variant.
Coding change: c.489C>T on transcript NM_178857.6 (MANE Select); coding-DNA position 489, C replaced by T.
Protein change: p.Arg163=; no amino-acid change (arginine 163 retained).
Molecular consequence: synonymous variant.
Genome position (GRCh38, 1-based): chr8:10,622,713, G>A on the plus strand (C>T on the coding strand, the complement: RP1L1 is on the minus strand). VCF-style: chr8-10622713-G-A. GRCh37 (hg19) VCF-style: chr8-10480223-G-A.
Identifiers: ClinVar variation 2658399 (VCV002658399.24), dbSNP rs201167741, ClinGen allele CA4625674.